The following is an entry in ClinVar:

ClinVar aggregate classification (germline): Uncertain significance. Review status: criteria provided, multiple submitters, no conflicts (2 of 4 stars). 3 submissions from 3 submitters: Uncertain significance (3). Last evaluated 2023-04-11.

Conditions:
Inborn genetic diseases. Identifiers: MedGen C0950123, MeSH D030342.
Osteogenesis imperfecta type 8 (OI8). Identifiers: MedGen C1970458, MONDO:0012581, OMIM 610915.

Allele frequency attached by ClinVar (database versions not stated): gnomAD exomes 0.00002 and 0.00004; TOPMed 0.00002; gnomAD 0.00003; ExAC 0.00005.

Submissions (3):

Genome-Nilou Lab
Classification: Uncertain significance for Osteogenesis imperfecta type 8. Last evaluated: 2023-04-11. Review status: criteria provided, single submitter. Criteria: ACMG Guidelines, 2015. Collection method: clinical testing. Allele origin: germline. Affected: no.

Labcorp Genetics (formerly Invitae), Labcorp
Classification: Uncertain significance for Osteogenesis imperfecta type 8. Last evaluated: 2022-04-22. Review status: criteria provided, single submitter. Criteria: Invitae Variant Classification Sherloc (09022015). Collection method: clinical testing. Allele origin: germline.
Comment: This sequence change replaces valine, which is neutral and non-polar, with methionine, which is neutral and non-polar, at codon 171 of the P3H1 protein (p.Val171Met). This variant is present in population databases (no rsID available, gnomAD 0.01%). This variant has not been reported in the literature in individuals affected with P3H1-related conditions. ClinVar contains an entry for this variant (Variation ID: 646432). Algorithms developed to predict the effect of missense changes on protein structure and function output the following: SIFT: "Tolerated"; PolyPhen-2: "Benign"; Align-GVGD: "Class C0". The methionine amino acid residue is found in multiple mammalian species, which suggests that this missense change does not adversely affect protein function. In summary, the available evidence is currently insufficient to determine the role of this variant in disease. Therefore, it has been classified as a Variant of Uncertain Significance.

Ambry Genetics
Classification: Uncertain significance for Inborn genetic diseases. Last evaluated: 2021-10-26. Review status: criteria provided, single submitter. Criteria: Ambry Variant Classification Scheme 2023. Collection method: clinical testing. Allele origin: germline.

NM_022356.4(P3H1):c.511G>A (p.Val171Met)

Gene: P3H1 (prolyl 3-hydroxylase 1; minus strand). Cytogenetic location: 1p34.2.
Variant type: single nucleotide variant.
Coding change: c.511G>A on transcript NM_022356.4 (MANE Select); coding-DNA position 511, G replaced by A.
Protein change: p.Val171Met; replaces valine 171 with methionine.
Molecular consequence: missense variant.
Genome position (GRCh38, 1-based): chr1:42,762,430, C>T on the plus strand (G>A on the coding strand, the complement: P3H1 is on the minus strand). VCF-style: chr1-42762430-C-T. GRCh37 (hg19) VCF-style: chr1-43228101-C-T.
Other names: c.511G>A, p.Val171Met (NM_001146289.2, NM_001243246.2); short protein forms V171M.
Identifiers: ClinVar variation 646432 (VCV000646432.7), dbSNP rs997474863, ClinGen allele CA802156.